The following is an entry in ClinVar:

NM_004320.6(ATP2A1):c.433A>G (p.Ile145Val)

Gene: ATP2A1 (ATPase sarcoplasmic/endoplasmic reticulum Ca2+ transporting 1; plus strand). Cytogenetic location: 16p11.2.
Variant type: single nucleotide variant.
Coding change: c.433A>G on transcript NM_004320.6 (MANE Select); coding-DNA position 433, A replaced by G.
Protein change: p.Ile145Val; replaces isoleucine 145 with valine.
Molecular consequence: missense variant.
Genome position (GRCh38, 1-based): chr16:28,882,559, A>G. VCF-style: chr16-28882559-A-G. GRCh37 (hg19) VCF-style: chr16-28893880-A-G.
Other names: c.58A>G, p.Ile20Val (NM_001286075.2); c.433A>G, p.Ile145Val (NM_173201.5); short protein forms I145V, I20V.
Identifiers: ClinVar variation 580448 (VCV000580448.8), dbSNP rs1307339770, ClinGen allele CA395401256.

ClinVar aggregate classification (germline): Uncertain significance. Review status: criteria provided, multiple submitters, no conflicts (2 of 4 stars). 2 submissions from 2 submitters: Uncertain significance (2). Last evaluated 2025-08-10.

Conditions:
Inborn genetic diseases. Identifiers: MedGen C0950123, MeSH D030342.
Brody myopathy. Also called: BRODY DISEASE. Identifiers: Orphanet 53347, MedGen C1832918, MONDO:0010977, OMIM 601003.

Allele frequency attached by ClinVar (database versions not stated): gnomAD exomes below 0.00001; TOPMed 0.00001.
gnomAD v4.1: 3 of 1,614,230 alleles (0.00019%); highest among the groups gnomAD compares: Admixed American, 0.0017%; no homozygotes.

Submissions (2):

Ambry Genetics
Classification: Uncertain significance for Inborn genetic diseases. Last evaluated: 2025-08-10. Review status: criteria provided, single submitter. Criteria: Ambry Variant Classification Scheme 2023. Collection method: clinical testing. Allele origin: germline.

Labcorp Genetics (formerly Invitae), Labcorp
Classification: Uncertain significance for Brody myopathy. Last evaluated: 2021-11-07. Review status: criteria provided, single submitter. Criteria: Invitae Variant Classification Sherloc (09022015). Collection method: clinical testing. Allele origin: germline.
Comment: In summary, the available evidence is currently insufficient to determine the role of this variant in disease. Therefore, it has been classified as a Variant of Uncertain Significance. Algorithms developed to predict the effect of missense changes on protein structure and function (SIFT, PolyPhen-2, Align-GVGD) all suggest that this variant is likely to be tolerated. ClinVar contains an entry for this variant (Variation ID: 580448). This variant has not been reported in the literature in individuals affected with ATP2A1-related conditions. This sequence change replaces isoleucine, which is neutral and non-polar, with valine, which is neutral and non-polar, at codon 145 of the ATP2A1 protein (p.Ile145Val). This variant is present in population databases (no rsID available, gnomAD 0.003%).